The following is an entry in ClinVar:

ClinVar aggregate classification (germline): Uncertain significance (1 of 4 stars; one submission).

Submission:

GeneDx
Classification: Uncertain significance. Last evaluated: 2026-04-15. Review status: criteria provided, single submitter. Criteria: GeneDx Variant Classification Process June 2021. Collection method: clinical testing. Allele origin: germline.
Comment: Not observed at significant frequency in large population cohorts (gnomAD); In-frame deletion of 1 amino acid in a non-repeat region; In silico analysis supports a deleterious effect on protein structure/function; Has not been previously published as pathogenic or benign to our knowledge

NM_001348716.2(KDM6B):c.4190_4192del (p.Cys1397del)

Genes: KDM6B (lysine demethylase 6B; plus strand), LOC121587574 (Sharpr-MPRA regulatory region 3930; plus strand). Cytogenetic location: 17p13.1.
Variant type: Deletion.
Coding change: c.4190_4192del on transcript NM_001348716.2 (MANE Select); coding-DNA positions 4190 to 4192, 3 bases deleted (GCT; older notation c.4190_4192delGCT).
Protein change: p.Cys1397del; deletes cysteine 1397.
Molecular consequence: inframe deletion.
Genome position (GRCh38, 1-based): chr17:7,851,975-7,851,977, GCT deleted; deleting any 3 consecutive bases within chr17:7,851,973-7,851,977 gives the same sequence; the c. name uses the placement nearest the transcript's 3' end. VCF-style (leftmost placement, unchanged base first): chr17-7851972-TCTG-T. GRCh37 (hg19) VCF-style: chr17-7755290-TCTG-T.
Other names: c.4190_4192del, p.Cys1397del (NM_001080424.2); short protein forms C1397del.
Identifiers: ClinVar variation 1801149 (VCV001801149.2), dbSNP rs2544533852, ClinGen allele CA2580094846.